The following is an entry in ClinVar:

NM_004655.4(AXIN2):c.739G>T (p.Val247Leu)

Gene: AXIN2 (axin 2; minus strand). Cytogenetic location: 17q24.1.
Variant type: single nucleotide variant.
Coding change: c.739G>T on transcript NM_004655.4 (MANE Select); coding-DNA position 739, G replaced by T.
Protein change: p.Val247Leu; replaces valine 247 with leucine.
Molecular consequence: missense variant.
Genome position (GRCh38, 1-based): chr17:65,557,882, C>A on the plus strand (G>T on the coding strand, the complement: AXIN2 is on the minus strand). VCF-style: chr17-65557882-C-A. GRCh37 (hg19) VCF-style: chr17-63554000-C-A.
Other names: c.739G>T, p.Val247Leu (NM_001363813.1); short protein forms V247L.
Identifiers: ClinVar variation 841621 (VCV000841621.9), dbSNP rs755206242, ClinGen allele CA400680373.

ClinVar aggregate classification (germline): Uncertain significance (1 of 4 stars; one submission).

Conditions:
Oligodontia-cancer predisposition syndrome. Also called: TOOTH AGENESIS-COLORECTAL CANCER SYNDROME. Identifiers: Orphanet 300576, MedGen C1837750, MONDO:0012075, OMIM 608615. Disease mechanism: loss of function.

gnomAD v4.1: 2 of 1,614,058 alleles (0.00012%); highest among the groups gnomAD compares: African/African-American, 0.0013%; no homozygotes.

Submission:

Labcorp Genetics (formerly Invitae), Labcorp
Classification: Uncertain significance for Oligodontia-cancer predisposition syndrome. Last evaluated: 2021-04-23. Review status: criteria provided, single submitter. Criteria: Invitae Variant Classification Sherloc (09022015). Collection method: clinical testing. Allele origin: germline.
Comment: In summary, the available evidence is currently insufficient to determine the role of this variant in disease. Therefore, it has been classified as a Variant of Uncertain Significance. Algorithms developed to predict the effect of missense changes on protein structure and function (SIFT, PolyPhen-2, Align-GVGD) all suggest that this variant is likely to be tolerated, but these predictions have not been confirmed by published functional studies and their clinical significance is uncertain. This variant has not been reported in the literature in individuals with AXIN2-related conditions. This variant is not present in population databases (ExAC no frequency). This sequence change replaces valine with leucine at codon 247 of the AXIN2 protein (p.Val247Leu). The valine residue is highly conserved and there is a small physicochemical difference between valine and leucine.